The following is an entry in ClinVar:

ClinVar aggregate classification (germline): Likely pathogenic (1 of 4 stars; one submission).

Conditions:
Glycogen storage disease IXb (GSD9B). Also called: GLYCOGENOSIS OF LIVER AND MUSCLE, AUTOSOMAL RECESSIVE; GSD IXb; PHOSPHORYLASE KINASE DEFICIENCY OF LIVER AND MUSCLE, AUTOSOMAL RECESSIVE. Identifiers: Orphanet 79240, MedGen C0543514, MONDO:0009868, OMIM 261750.

Submission:

First Genomix Gene Laboratory, Genetic Diagnostics Department
Classification: Likely pathogenic for Glycogen storage disease IXb. Last evaluated: 2025-03-25. Review status: criteria provided, single submitter. Criteria: ACMG Guidelines, 2015. Collection method: clinical testing. Allele origin: germline. Inheritance: Autosomal recessive inheritance. Affected: no. Observed: 1 variant allele.

NM_000293.3(PHKB):c.76+2523C>G

Gene: PHKB (phosphorylase kinase regulatory subunit beta; plus strand). Cytogenetic location: 16q12.1.
Variant type: single nucleotide variant.
Coding change: c.76+2523C>G on transcript NM_000293.3 (MANE Select); 2523 bases into the intron after coding-DNA position 76, C replaced by G.
Molecular consequence: intron variant. On other transcripts: nonsense (1).
Genome position (GRCh38, 1-based): chr16:47,463,949, C>G. VCF-style: chr16-47463949-C-G. GRCh37 (hg19) VCF-style: chr16-47497860-C-G.
Other names: c.11C>G, p.Ser4Ter (NM_001031835.3); c.76+2523C>G (NM_001363837.1); short protein forms S4*.
Identifiers: ClinVar variation 4845812 (VCV004845812.1).